The following is an entry in ClinVar:

ClinVar aggregate classification (germline): Pathogenic (1 of 4 stars; one submission).

Conditions:
Epidermolysis bullosa simplex with nail dystrophy (EBS5D). Identifiers: MedGen C4225309, MONDO:0014661, OMIM 616487.
Epidermolysis bullosa simplex, Ogna type (EBS5A). Also called: EPIDERMOLYSIS BULLOSA SIMPLEX 5A, OGNA TYPE; Pidermolysis bullosa simplex 5A, Ogna type. Identifiers: Orphanet 79401, MedGen C0432317, MONDO:0007555, OMIM 131950.
Autosomal recessive limb-girdle muscular dystrophy type 2Q (LGMDR17). Also called: MUSCULAR DYSTROPHY, LIMB-GIRDLE, AUTOSOMAL RECESSIVE 17. Identifiers: Orphanet 254361, MedGen C3150989, MONDO:0013390, OMIM 613723.
Epidermolysis bullosa simplex 5B, with muscular dystrophy (EBS5B). Also called: EPIDERMOLYSIS BULLOSA SIMPLEX AND LIMB-GIRDLE MUSCULAR DYSTROPHY; Epidermolysis bullosa simplex with muscular dystrophy. Identifiers: Orphanet 257, MedGen C2931072, MONDO:0009181, OMIM 226670.
Epidermolysis bullosa simplex 5C, with pyloric atresia (EBS5C). Also called: PLEC1-Related Epidermolysis Bullosa with Pyloric Atresia; PLEC-Related Epidermolysis Bullosa with Pyloric Atresia; Epidermolysis bullosa simplex with pyloric atresia. Identifiers: Orphanet 158684, MedGen C2677349, MONDO:0012807, OMIM 612138.

Submission:

Labcorp Genetics (formerly Invitae), Labcorp
Classification: Pathogenic for Autosomal recessive limb-girdle muscular dystrophy type 2Q; Epidermolysis bullosa simplex, Ogna type; Epidermolysis bullosa simplex with nail dystrophy; Epidermolysis bullosa simplex 5C, with pyloric atresia; Epidermolysis bullosa simplex 5B, with muscular dystrophy. Last evaluated: 2024-05-12. Review status: criteria provided, single submitter. Criteria: Invitae Variant Classification Sherloc (09022015). Collection method: clinical testing. Allele origin: germline.
Comment: This sequence change creates a premature translational stop signal (p.Glu3059*) in the PLEC gene. While this is not anticipated to result in nonsense mediated decay, it is expected to disrupt the last 1516 amino acid(s) of the PLEC protein. This variant is not present in population databases (gnomAD no frequency). This variant has not been reported in the literature in individuals affected with PLEC-related conditions. This variant disrupts a region of the PLEC protein in which other variant(s) (p.Lys4460*) have been determined to be pathogenic (PMID: 10652002). This suggests that this is a clinically significant region of the protein, and that variants that disrupt it are likely to be disease-causing. For these reasons, this variant has been classified as Pathogenic.

Literature cited by the submitters: PubMed 10652002.

NM_201384.3(PLEC):c.9094G>T (p.Glu3032Ter)

Gene: PLEC (plectin; minus strand). Cytogenetic location: 8q24.3.
Variant type: single nucleotide variant.
Coding change: c.9094G>T on transcript NM_201384.3 (MANE Select); coding-DNA position 9094, G replaced by T.
Protein change: p.Glu3032Ter; replaces glutamic acid 3032 with a stop codon.
Molecular consequence: nonsense.
Genome position (GRCh38, 1-based): chr8:143,920,727, C>A on the plus strand (G>T on the coding strand, the complement: PLEC is on the minus strand). VCF-style: chr8-143920727-C-A. GRCh37 (hg19) VCF-style: chr8-144994895-C-A.
Other names: c.8998G>T, p.Glu3000Ter (NM_201381.3); c.9094G>T, p.Glu3032Ter (NM_201382.4); c.9106G>T, p.Glu3036Ter (NM_201383.3); c.9175G>T, p.Glu3059Ter (NM_000445.5); c.5794G>T, p.Glu1932Ter (NM_001410941.1); c.9052G>T, p.Glu3018Ter (NM_201378.4); c.9028G>T, p.Glu3010Ter (NM_201379.3); c.9505G>T, p.Glu3169Ter (NM_201380.4); short protein forms E1932*, E3000*, E3010*, E3018*, E3032*, E3036*, E3059*, E3169*.
Identifiers: ClinVar variation 3761910 (VCV003761910.2).